The following is an entry in ClinVar:

NM_000487.6(ARSA):c.1376A>G (p.Lys459Arg)

Gene: ARSA (arylsulfatase A; minus strand). Cytogenetic location: 22q13.33.
Variant type: single nucleotide variant.
Coding change: c.1376A>G on transcript NM_000487.6 (MANE Select); coding-DNA position 1376, A replaced by G.
Protein change: p.Lys459Arg; replaces lysine 459 with arginine.
Molecular consequence: missense variant.
Genome position (GRCh38, 1-based): chr22:50,625,299, T>C on the plus strand (A>G on the coding strand, the complement: ARSA is on the minus strand). VCF-style: chr22-50625299-T-C. GRCh37 (hg19) VCF-style: chr22-51063727-T-C.
Other names: c.1376A>G, p.Lys459Arg (NM_001085425.3, NM_001085426.3, NM_001085427.3); c.1118A>G, p.Lys373Arg (NM_001085428.3, NM_001362782.2); short protein forms K373R, K459R.
Identifiers: ClinVar variation 1982449 (VCV001982449.4), dbSNP rs751615487, ClinGen allele CA10324737.

ClinVar aggregate classification (germline): Uncertain significance (1 of 4 stars; one submission).

Conditions:
Metachromatic leukodystrophy (MLD). Also called: Arylsulfatase A Deficiency; ARSA DEFICIENCY; CEREBROSIDE SULFATASE DEFICIENCY; METACHROMATIC LEUKOENCEPHALOPATHY; SULFATIDE LIPIDOSIS; Cerebral sclerosis diffuse metachromatic form. Identifiers: Orphanet 512, MedGen C0023522, MONDO:0018868, OMIM 250100.

Allele frequency attached by ClinVar (database versions not stated): gnomAD exomes below 0.00001; ExAC 0.00001.
gnomAD v4.1: 1 of 1,612,968 alleles (0.000062%); highest among the groups gnomAD compares: South Asian, 0.0011%; no homozygotes.

Submissions (2):

Labcorp Genetics (formerly Invitae), Labcorp
Classification: Uncertain significance for Metachromatic leukodystrophy. Last evaluated: 2022-08-12. Review status: criteria provided, single submitter. Criteria: Invitae Variant Classification Sherloc (09022015). Collection method: clinical testing. Allele origin: germline.
Comment: This sequence change replaces lysine, which is basic and polar, with arginine, which is basic and polar, at codon 459 of the ARSA protein (p.Lys459Arg). This variant is present in population databases (rs751615487, gnomAD 0.003%). This variant has not been reported in the literature in individuals affected with ARSA-related conditions. Algorithms developed to predict the effect of missense changes on protein structure and function (SIFT, PolyPhen-2, Align-GVGD) all suggest that this variant is likely to be tolerated. In summary, the available evidence is currently insufficient to determine the role of this variant in disease. Therefore, it has been classified as a Variant of Uncertain Significance.

Gelb Laboratory, University of Washington
No classification provided (evidence only). Condition: Metachromatic leukodystrophy. Review status: no classification provided. Collection method: in vitro. Allele origin: not applicable. Functional consequence: loss of function. Not counted in ClinVar's aggregate classification.